The following is an entry in ClinVar:

ClinVar aggregate classification (germline): Pathogenic (1 of 4 stars; one submission).

Conditions:
Familial adenomatous polyposis 1 (FAP1). Also called: POLYPOSIS, ADENOMATOUS INTESTINAL; FAMILIAL ADENOMATOUS POLYPOSIS 1, ATTENUATED. Identifiers: MedGen C2713442, MONDO:0021056, OMIM 175100. Disease mechanism: loss of function.

Submission:

Myriad Genetics, Inc.
Classification: Pathogenic for Familial adenomatous polyposis 1. Last evaluated: 2023-05-02. Review status: criteria provided, single submitter. Criteria: Myriad Autosomal Dominant, Autosomal Recessive and X-Linked Classification Criteria (2023). Collection method: clinical testing. Allele origin: unknown.
Comment: This variant is considered pathogenic. This variant creates a frameshift predicted to result in premature protein truncation.

NM_000038.6(APC):c.1647_1683del (p.Asn550fs)

Gene: APC (APC regulator of Wnt signaling pathway; plus strand). Cytogenetic location: 5q22.2.
Variant type: Deletion.
Coding change: c.1647_1683del on transcript NM_000038.6 (MANE Select); coding-DNA positions 1647 to 1683, 37 bases deleted.
Protein change: p.Asn550fs; shifts the reading frame from asparagine 550.
Molecular consequence: frameshift variant.
Genome position (GRCh38, 1-based): chr5:112,828,876-112,828,912, 37 bases deleted; deleting any 37 consecutive bases within chr5:112,828,874-112,828,912 gives the same sequence; the c. name uses the placement nearest the transcript's 3' end. GRCh37 (hg19): chr5:112,164,573-112,164,609.
Other names: c.1398_1434del, p.Asn467fs (NM_001407455.1, NM_001407456.1, NM_001407457.1 and 1 more transcripts); c.1344_1380del, p.Asn449fs (NM_001407458.1, NM_001407459.1, NM_001407460.1 and 1 more transcripts); c.1260_1296del, p.Asn421fs (NM_001407467.1, NM_001407469.1); c.798_834del, p.Asn267fs (NM_001407470.1, NM_001354906.2); c.495_531del, p.Asn166fs (NM_001407471.1, NM_001407472.1); c.1647_1683del, p.Asn550fs (NM_001127510.3, NM_001354895.2, NM_001407450.1); c.1593_1629del, p.Asn532fs (NM_001127511.3); c.1701_1737del, p.Asn568fs (NM_001354896.2, NM_001407447.1, NM_001407448.1 and 1 more transcripts); and 11 more; short protein forms N166fs, N267fs, N390fs, N421fs, N424fs, N449fs, N459fs, N467fs.
Identifiers: ClinVar variation 2583677 (VCV002583677.2), dbSNP rs2533241723, ClinGen allele CA2582341389.